The following is an entry in ClinVar:

ClinVar aggregate classification (germline): Uncertain significance. Review status: criteria provided, multiple submitters, no conflicts (2 of 4 stars). 2 submissions from 2 submitters: Uncertain significance (2). Last evaluated 2022-05-04.

Conditions:
Schuurs-Hoeijmakers syndrome. Also called: PACS1-Related Neurodevelopmental Disorder. Identifiers: Orphanet 329224, MedGen C3554343, MONDO:0014006, OMIM 615009.
Inborn genetic diseases. Identifiers: MedGen C0950123, MeSH D030342.

Allele frequency attached by ClinVar (database versions not stated): TOPMed 0.00001.

Submissions (2):

Labcorp Genetics (formerly Invitae), Labcorp
Classification: Uncertain significance for Schuurs-Hoeijmakers syndrome. Last evaluated: 2022-05-04. Review status: criteria provided, single submitter. Criteria: Invitae Variant Classification Sherloc (09022015). Collection method: clinical testing. Allele origin: germline.
Comment: This sequence change replaces leucine, which is neutral and non-polar, with phenylalanine, which is neutral and non-polar, at codon 171 of the PACS1 protein (p.Leu171Phe). This variant is not present in population databases (gnomAD no frequency). This variant has not been reported in the literature in individuals affected with PACS1-related conditions. Algorithms developed to predict the effect of missense changes on protein structure and function are either unavailable or do not agree on the potential impact of this missense change (SIFT: "Tolerated"; PolyPhen-2: "Probably Damaging"; Align-GVGD: "Class C0"). In summary, the available evidence is currently insufficient to determine the role of this variant in disease. Therefore, it has been classified as a Variant of Uncertain Significance.

Ambry Genetics
Classification: Uncertain significance for Inborn genetic diseases. Last evaluated: 2019-06-07. Review status: criteria provided, single submitter. Criteria: Ambry Variant Classification Scheme 2023. Collection method: clinical testing. Allele origin: germline.
Comment: The p.L171F variant (also known as c.511C>T), located in coding exon 3 of the PACS1 gene, results from a C to T substitution at nucleotide position 511. The leucine at codon 171 is replaced by phenylalanine, an amino acid with highly similar properties. This amino acid position is highly conserved in available vertebrate species. In addition, the in silico prediction for this alteration is inconclusive. Since supporting evidence is limited at this time, the clinical significance of this alteration remains unclear.

NM_018026.4(PACS1):c.511C>T (p.Leu171Phe)

Gene: PACS1 (phosphofurin acidic cluster sorting protein 1; plus strand). Cytogenetic location: 11q13.2.
Variant type: single nucleotide variant.
Coding change: c.511C>T on transcript NM_018026.4 (MANE Select); coding-DNA position 511, C replaced by T.
Protein change: p.Leu171Phe; replaces leucine 171 with phenylalanine.
Molecular consequence: missense variant.
Genome position (GRCh38, 1-based): chr11:66,210,428, C>T. VCF-style: chr11-66210428-C-T. GRCh37 (hg19) VCF-style: chr11-65977899-C-T.
Other names: short protein forms L171F.
Identifiers: ClinVar variation 1745457 (VCV001745457.7), dbSNP rs1043909208, ClinGen allele CA224025596.